The following is an entry in ClinVar:

NM_014283.5(SUCO):c.2041C>G (p.Leu681Val)

Gene: SUCO (SUN domain containing ossification factor; plus strand). Cytogenetic location: 1q24.3.
Variant type: single nucleotide variant.
Coding change: c.2041C>G on transcript NM_014283.5 (MANE Select); coding-DNA position 2041, C replaced by G.
Protein change: p.Leu681Val; replaces leucine 681 with valine.
Molecular consequence: missense variant. On other transcripts: intron variant (1).
Genome position (GRCh38, 1-based): chr1:172,589,142, C>G. VCF-style: chr1-172589142-C-G. GRCh37 (hg19) VCF-style: chr1-172558282-C-G.
Other names: c.2041C>G (NM_014283.3); c.352C>G, p.Leu118Val (NM_001282751.2); c.2494C>G, p.Leu832Val (NM_016227.4); c.1712+218C>G (NM_001282750.2); short protein forms L118V, L681V, L832V.
Identifiers: ClinVar variation 3666120 (VCV003666120.3).

ClinVar aggregate classification (germline): Uncertain significance. Review status: criteria provided, multiple submitters, no conflicts (2 of 4 stars). 2 submissions from 2 submitters: Uncertain significance (2). Last evaluated 2025-09-26.

Submissions (2):

Ambry Genetics
Classification: Uncertain significance. Last evaluated: 2025-09-26. Review status: criteria provided, single submitter. Criteria: Ambry Variant Classification Scheme 2023. Collection method: clinical testing. Allele origin: germline.

Labcorp Genetics (formerly Invitae), Labcorp
Classification: Uncertain significance. Last evaluated: 2024-08-14. Review status: criteria provided, single submitter. Criteria: Invitae Variant Classification Sherloc (09022015). Collection method: clinical testing. Allele origin: germline.
Comment: This sequence change replaces leucine, which is neutral and non-polar, with valine, which is neutral and non-polar, at codon 681 of the SUCO protein (p.Leu681Val). This variant is not present in population databases (gnomAD no frequency). This variant has not been reported in the literature in individuals affected with SUCO-related conditions. An algorithm developed to predict the effect of missense changes on protein structure and function (PolyPhen-2) suggests that this variant is likely to be tolerated. In summary, the available evidence is currently insufficient to determine the role of this variant in disease. Therefore, it has been classified as a Variant of Uncertain Significance.